The following is an entry in ClinVar:

NM_144997.7(FLCN):c.1080T>C (p.Ser360=)

Gene: FLCN (folliculin; minus strand). Cytogenetic location: 17p11.2.
Variant type: single nucleotide variant.
Coding change: c.1080T>C on transcript NM_144997.7 (MANE Select); coding-DNA position 1080, T replaced by C.
Protein change: p.Ser360=; no amino-acid change (serine 360 retained).
Molecular consequence: synonymous variant.
Genome position (GRCh38, 1-based): chr17:17,217,165, A>G on the plus strand (T>C on the coding strand, the complement: FLCN is on the minus strand). VCF-style: chr17-17217165-A-G. GRCh37 (hg19) VCF-style: chr17-17120479-A-G.
Other names: c.1134T>C, p.Ser378= (NM_001353229.2); c.1080T>C, p.Ser360= (NM_001353230.2, NM_001353231.2).
Identifiers: ClinVar variation 3773217 (VCV003773217.1).
Genomic context (GRCh38, chr17:17,217,165, plus strand): 5'-GTCTCTGCTTTTCCAGATCACCTGGTTCCCCATGAGAACGTGCCAGGCCAGCATGCGGAA[A>G]GAAGGGGCACCCAGGACCTAAACAAGAGAGTGCAGTGCTTTCAGCGTGACTAGTAGAAAT-3'
Protein context (NP_659434.2, residues 350-370): RHMRQVLGAP[Ser360=]FRMLAWHVLM

ClinVar aggregate classification (germline): Benign (1 of 4 stars; one submission).

Conditions:
Birt-Hogg-Dube syndrome 1 (BHD1). Also called: FIBROFOLLICULOMAS WITH TRICHODISCOMAS AND ACROCHORDONS. Identifiers: Orphanet 122, MedGen CN375946, MONDO:0800445, OMIM 135150.

Submission:

Myriad Genetics, Inc.
Classification: Benign for Birt-Hogg-Dube syndrome 1. Last evaluated: 2024-10-24. Review status: criteria provided, single submitter. Criteria: Myriad Autosomal Dominant, Autosomal Recessive and X-Linked Classification Criteria (2023). Collection method: clinical testing. Allele origin: unknown.
Comment: This variant is considered benign. This variant is a silent/synonymous amino acid change and it is not expected to impact splicing.